The following is an entry in ClinVar:

ClinVar aggregate classification (germline): Uncertain significance (1 of 4 stars; one submission).

Submission:

Labcorp Genetics (formerly Invitae), Labcorp
Classification: Uncertain significance. Last evaluated: 2025-10-05. Review status: criteria provided, single submitter. Criteria: Invitae Variant Classification Sherloc (09022015). Collection method: clinical testing. Allele origin: germline.
Comment: This sequence change replaces methionine, which is neutral and non-polar, with leucine, which is neutral and non-polar, at codon 521 of the TWNK protein (p.Met521Leu). This variant is not present in population databases (gnomAD no frequency). This variant has not been reported in the literature in individuals affected with TWNK-related conditions. Invitae Evidence Modeling of protein sequence and biophysical properties (such as structural, functional, and spatial information, amino acid conservation, physicochemical variation, residue mobility, and thermodynamic stability) indicates that this missense variant is expected to disrupt TWNK protein function with a positive predictive value of 80%. In summary, the available evidence is currently insufficient to determine the role of this variant in disease. Therefore, it has been classified as a Variant of Uncertain Significance.

NM_021830.5(TWNK):c.1561A>C (p.Met521Leu)

Gene: TWNK (twinkle mtDNA helicase; plus strand). Cytogenetic location: 10q24.31.
Variant type: single nucleotide variant.
Coding change: c.1561A>C on transcript NM_021830.5 (MANE Select); coding-DNA position 1561, A replaced by C.
Protein change: p.Met521Leu; replaces methionine 521 with leucine.
Molecular consequence: missense variant. On other transcripts: non-coding transcript variant (5).
Genome position (GRCh38, 1-based): chr10:100,990,512, A>C. VCF-style: chr10-100990512-A-C. GRCh37 (hg19) VCF-style: chr10-102750269-A-C.
Other names: c.1561A>C, p.Met521Leu (NM_001163812.2); c.199A>C, p.Met67Leu (NM_001163813.2, NM_001163814.2, NM_001368275.1); short protein forms M67L, M521L.
Identifiers: ClinVar variation 4773829 (VCV004773829.1).